The following is an entry in ClinVar:

ClinVar aggregate classification (germline): Conflicting classifications of pathogenicity. Review status: criteria provided, conflicting classifications (1 of 4 stars). 3 submissions from 3 submitters: Uncertain significance (1); Likely benign (2). Last evaluated 2025-11-17.

Conditions:
Cardiovascular phenotype. Identifiers: MedGen CN230736.
Dilated cardiomyopathy 1G (CMD1G). Identifiers: Orphanet 154, MedGen C1858763, MONDO:0011400, OMIM 604145.
Autosomal recessive limb-girdle muscular dystrophy type 2J (LGMDR10). Also called: Limb-girdle muscular dystrophy, type 2J; MUSCULAR DYSTROPHY, LIMB-GIRDLE, AUTOSOMAL RECESSIVE 10. Identifiers: Orphanet 140922, MedGen C1837342, MONDO:0012127, OMIM 608807.

Allele frequency attached by ClinVar (database versions not stated): TOPMed below 0.00001; gnomAD 0.00001.
gnomAD v4.1: 1 of 1,613,310 alleles (0.000062%); highest among the groups gnomAD compares: African/African-American, 0.0013%; no homozygotes.

Submissions (3):

Women's Health and Genetics/Laboratory Corporation of America, LabCorp
Classification: Likely benign. Last evaluated: 2025-11-17. Review status: criteria provided, single submitter. Criteria: LabCorp Variant Classification Summary - May 2015. Collection method: clinical testing. Allele origin: germline.

Ambry Genetics
Classification: Uncertain significance for Cardiovascular phenotype. Last evaluated: 2024-07-25. Review status: criteria provided, single submitter. Criteria: Ambry Variant Classification Scheme 2023. Collection method: clinical testing. Allele origin: germline.
Comment: The c.40593A>G variant (also known as p.R13531R), located in coding exon 147 of the TTN gene, results from an A to G substitution at nucleotide position 40593. This nucleotide substitution does not change the amino acid at codon 13531. This nucleotide position is not well conserved in available vertebrate species. In silico splice site analysis for this alteration is inconclusive. Based on the available evidence, the clinical significance of this variant remains unclear.

Labcorp Genetics (formerly Invitae), Labcorp
Classification: Likely benign for Dilated cardiomyopathy 1G; Autosomal recessive limb-girdle muscular dystrophy type 2J. Last evaluated: 2024-04-16. Review status: criteria provided, single submitter. Criteria: Invitae Variant Classification Sherloc (09022015). Collection method: clinical testing. Allele origin: germline.

NM_001267550.2(TTN):c.67788A>G (p.Arg22596=)

Genes: TTN (titin; minus strand), TTN-AS1 (TTN antisense RNA 1; plus strand), LOC126806423 (CDK7 strongly-dependent group 2 enhancer GRCh37_chr2:179443309-179444508; plus strand). Cytogenetic location: 2q31.2.
Variant type: single nucleotide variant.
Coding change: c.67788A>G on transcript NM_001267550.2 (MANE Select); coding-DNA position 67788, A replaced by G.
Protein change: p.Arg22596=; no amino-acid change (arginine 22596 retained).
Molecular consequence: synonymous variant.
Genome position (GRCh38, 1-based): chr2:178,579,242, T>C on the plus strand (A>G on the coding strand, the complement: TTN is on the minus strand). VCF-style: chr2-178579242-T-C. GRCh37 (hg19) VCF-style: chr2-179443969-T-C.
Other names: c.62865A>G, p.Arg20955= (NM_001256850.1); c.40593A>G, p.Arg13531= (NM_003319.4); c.60084A>G, p.Arg20028= (NM_133378.4); c.40968A>G, p.Arg13656= (NM_133432.3); c.41169A>G, p.Arg13723= (NM_133437.4).
Identifiers: ClinVar variation 794780 (VCV000794780.15), dbSNP rs1326950042, ClinGen allele CA430260260.